The following is an entry in ClinVar:

NM_001430.5(EPAS1):c.1424G>A (p.Ser475Asn)

Gene: EPAS1 (endothelial PAS domain protein 1; plus strand). Cytogenetic location: 2p21.
Variant type: single nucleotide variant.
Coding change: c.1424G>A on transcript NM_001430.5 (MANE Select); coding-DNA position 1424, G replaced by A.
Protein change: p.Ser475Asn; replaces serine 475 with asparagine.
Molecular consequence: missense variant.
Genome position (GRCh38, 1-based): chr2:46,378,068, G>A. VCF-style: chr2-46378068-G-A. GRCh37 (hg19) VCF-style: chr2-46605207-G-A.
Other names: short protein forms S475N.
Identifiers: ClinVar variation 1772336 (VCV001772336.2), dbSNP rs1684798500, ClinGen allele CA346704051.

ClinVar aggregate classification (germline): Uncertain significance (1 of 4 stars; one submission).

Conditions:
Inborn genetic diseases. Identifiers: MedGen C0950123, MeSH D030342.

Submission:

Ambry Genetics
Classification: Uncertain significance for Inborn genetic diseases. Last evaluated: 2022-08-30. Review status: criteria provided, single submitter. Criteria: Ambry Variant Classification Scheme 2023. Collection method: clinical testing. Allele origin: germline.
Comment: The p.S475N variant (also known as c.1424G>A), located in coding exon 10 of the EPAS1 gene, results from a G to A substitution at nucleotide position 1424. The serine at codon 475 is replaced by asparagine, an amino acid with highly similar properties. This amino acid position is conserved. In addition, this alteration is predicted to be tolerated by in silico analysis. Since supporting evidence is limited at this time, the clinical significance of this alteration remains unclear.